The following is an entry in ClinVar:

ClinVar aggregate classification (germline): Uncertain significance. Review status: criteria provided, multiple submitters, no conflicts (2 of 4 stars). 2 submissions from 2 submitters: Uncertain significance (2). Last evaluated 2024-01-17.

Conditions:
Inborn genetic diseases. Identifiers: MedGen C0950123, MeSH D030342.

Allele frequency attached by ClinVar (database versions not stated): ExAC 0.00001; TOPMed 0.00001.

Submissions (2):

Ambry Genetics
Classification: Uncertain significance for Inborn genetic diseases. Last evaluated: 2024-01-17. Review status: criteria provided, single submitter. Criteria: Ambry Variant Classification Scheme 2023. Collection method: clinical testing. Allele origin: germline.

Labcorp Genetics (formerly Invitae), Labcorp
Classification: Uncertain significance. Last evaluated: 2022-11-14. Review status: criteria provided, single submitter. Criteria: Invitae Variant Classification Sherloc (09022015). Collection method: clinical testing. Allele origin: germline.
Comment: In summary, the available evidence is currently insufficient to determine the role of this variant in disease. Therefore, it has been classified as a Variant of Uncertain Significance. This sequence change replaces arginine, which is basic and polar, with histidine, which is basic and polar, at codon 449 of the GPR179 protein (p.Arg449His). This variant is present in population databases (rs774907771, gnomAD 0.003%). This variant has not been reported in the literature in individuals affected with GPR179-related conditions. Algorithms developed to predict the effect of missense changes on protein structure and function are either unavailable or do not agree on the potential impact of this missense change (SIFT: "Deleterious"; PolyPhen-2: "Probably Damaging"; Align-GVGD: "Class C0").

NM_001004334.4(GPR179):c.1346G>A (p.Arg449His)

Gene: GPR179 (G protein-coupled receptor 179; minus strand). Cytogenetic location: 17q12.
Variant type: single nucleotide variant.
Coding change: c.1346G>A on transcript NM_001004334.4 (MANE Select); coding-DNA position 1346, G replaced by A.
Protein change: p.Arg449His; replaces arginine 449 with histidine.
Molecular consequence: missense variant.
Genome position (GRCh38, 1-based): chr17:38,335,651, C>T on the plus strand (G>A on the coding strand, the complement: GPR179 is on the minus strand). VCF-style: chr17-38335651-C-T. GRCh37 (hg19) VCF-style: chr17-36491534-C-T.
Other names: c.1346G>A (NM_001004334.2); short protein forms R449H.
Identifiers: ClinVar variation 3003262 (VCV003003262.4), dbSNP rs774907771, ClinGen allele CA290108881.
Genomic context (GRCh38, chr17:38,335,651, plus strand): 5'-CTGTAAAGCTTGAGTATGATGGTGCCGTAGACGATGGCAAAACCCAGCAGCCGCACCCAG[C>T]GAAGAGCGATGCAGCGGAATACACTGGGCTTGAAGTATAGGATGAAGACCTGGTGGGAAG-3'
Protein context (NP_001004334.3, residues 439-459): KPSVFRCIAL[Arg449His]WVRLLGFAIV